The following is an entry in ClinVar:

NM_003743.5(NCOA1):c.1783A>G (p.Met595Val)

Gene: NCOA1 (nuclear receptor coactivator 1; plus strand). Cytogenetic location: 2p23.3.
Variant type: single nucleotide variant.
Coding change: c.1783A>G on transcript NM_003743.5 (MANE Select); coding-DNA position 1783, A replaced by G.
Protein change: p.Met595Val; replaces methionine 595 with valine.
Molecular consequence: missense variant.
Genome position (GRCh38, 1-based): chr2:24,707,253, A>G. VCF-style: chr2-24707253-A-G. GRCh37 (hg19) VCF-style: chr2-24930122-A-G.
Other names: c.1783A>G, p.Met595Val (NM_001362950.1, NM_001362952.1, NM_001362954.1 and 3 more transcripts); short protein forms M595V.
Identifiers: ClinVar variation 3349151 (VCV003349151.1).
Genomic context (GRCh38, chr2:24,707,253, plus strand): 5'-ATACAACCAGCAAAAGCTGAGTCCAAAGATAACAAAGAGATTGCCTCAATTTTAAATGAA[A>G]TGATTCAATCTGACAACAGCTCTAGTGATGGCAAACCTCTGGATTCAGGGCTTCTGCATA-3'
Protein context (NP_003734.3, residues 585-605): NKEIASILNE[Met595Val]IQSDNSSSDG

ClinVar aggregate classification (germline): Uncertain significance (0 of 4 stars; one submission).

Conditions:
NCOA1-related disorder. Also called: NCOA1-related condition.

Submission:

PreventionGenetics, part of Exact Sciences
Classification: Uncertain significance for NCOA1-related condition. Last evaluated: 2024-03-11. Review status: no assertion criteria provided. Collection method: clinical testing. Allele origin: germline.
Comment: The NCOA1 c.1783A>G variant is predicted to result in the amino acid substitution p.Met595Val. To our knowledge, this variant has not been reported in the literature or in a large population database, indicating this variant is rare. At this time, the clinical significance of this variant is uncertain due to the absence of conclusive functional and genetic evidence.